The following is an entry in ClinVar:

ClinVar aggregate classification (germline): Conflicting classifications of pathogenicity. Review status: criteria provided, conflicting classifications (1 of 4 stars). 16 submissions from 16 submitters: Uncertain significance (13); Likely benign (1). 2 of the submissions do not count toward it. Last evaluated 2026-01-26.

Conditions:
ATM-related cancer predisposition. Also called: ATM-related cancer susceptibility. Identifiers: MedGen CN377759, MONDO:0700270.
Hereditary cancer-predisposing syndrome. Also called: Hereditary Cancer Syndrome; Neoplastic Syndromes, Hereditary; Tumor predisposition; Hereditary neoplastic syndrome. Identifiers: Orphanet 140162, MedGen C0027672, MeSH D009386, MONDO:0015356.
Familial cancer of breast. Also called: BREAST CANCER, FAMILIAL; hereditary breast carcinoma; Hereditary breast cancer. Identifiers: Orphanet 227535, MedGen C0346153, MONDO:0016419, OMIM 114480. Disease mechanism: loss of function.
Ataxia-telangiectasia syndrome (AT). Also called: ATAXIA-TELANGIECTASIA, COMPLEMENTATION GROUP A; ATAXIA-TELANGIECTASIA, FRESNO VARIANT; Ataxia-telangiectasia; LOUIS-BAR SYNDROME; Ataxia telangiectasia (A-T); Ataxia-telangiectasia, complementation group D. Identifiers: Orphanet 100, MedGen C0004135, MONDO:0008840, OMIM 208900.

Allele frequency attached by ClinVar (database versions not stated): TOPMed 0.00002; ExAC 0.00002; gnomAD 0.00001.
gnomAD v4.1: 16 of 1,608,774 alleles (0.00099%); highest among the groups gnomAD compares: Middle Eastern, 0.049%; no homozygotes.

Submissions (16):

Labcorp Genetics (formerly Invitae), Labcorp
Classification: Likely benign for Ataxia-telangiectasia syndrome. Last evaluated: 2026-01-26. Review status: criteria provided, single submitter. Criteria: Invitae Variant Classification Sherloc (09022015). Collection method: clinical testing. Allele origin: germline.

Quest Diagnostics Nichols Institute San Juan Capistrano
Classification: Uncertain significance. Last evaluated: 2025-10-17. Review status: criteria provided, single submitter. Criteria: Quest Diagnostics criteria. Collection method: clinical testing. Allele origin: unknown.

Women's Health and Genetics/Laboratory Corporation of America, LabCorp
Classification: Uncertain significance. Last evaluated: 2025-10-13. Review status: criteria provided, single submitter. Criteria: LabCorp Variant Classification Summary - May 2015. Collection method: clinical testing. Allele origin: germline.
Comment: Variant summary: ATM c.2945G>A (p.Arg982His) results in a non-conservative amino acid change in the encoded protein sequence. Algorithms developed to predict the effect of missense changes on protein structure and function are either unavailable or do not agree on the potential impact of this missense change. The variant allele was found at a frequency of 8e-06 in 251002 control chromosomes. The available data on variant occurrences in the general population are insufficient to allow any conclusion about variant significance. c.2945G>A has been observed in individuals affected with breast cancer, ovarian cancer or cancer predisposition syndrome or with family history of cancers (Yurgelun_2017. Tsaousis_2019, Bhai_2021, Sandoval_2021, de Oliveira_2022), but without strong evidence for causality. These report(s) do not provide unequivocal conclusions about association of the variant with Ataxia-telangiectasia syndrome. To our knowledge, no experimental evidence demonstrating an impact on protein function has been reported. The following publications have been ascertained in the context of this evaluation (PMID: 34326862, 33606809, 31159747, 28135145, 35534704). ClinVar contains an entry for this variant (Variation ID: 184953). Based on the evidence outlined above, the variant was classified as uncertain significance.

Ambry Genetics
Classification: Uncertain significance for Hereditary cancer-predisposing syndrome. Last evaluated: 2025-02-13. Review status: criteria provided, single submitter. Criteria: Ambry Variant Classification Scheme 2023. Collection method: clinical testing. Allele origin: germline.
Comment: The p.R982H variant (also known as c.2945G>A), located in coding exon 19 of the ATM gene, results from a G to A substitution at nucleotide position 2945. The arginine at codon 982 is replaced by histidine, an amino acid with highly similar properties. This alteration was detected in 3/224 unrelated Brazilian individuals diagnosed with breast cancer (Sandoval RL et al. PLoS One, 2021 Feb;16:e0247363). It has also been reported in 1/1197 individuals from Greece, Romania, and Turkey undergoing evaluation for inherited cancer predisposition (Tsaousis GN et al. BMC Cancer. 2019 Jun;19:535). This amino acid position is well conserved in available vertebrate species. In addition, the in silico prediction for this alteration is inconclusive. Based on the available evidence, the clinical significance of this variant remains unclear.

Color Diagnostics, LLC DBA Color Health
Classification: Uncertain significance for Hereditary cancer-predisposing syndrome. Last evaluated: 2024-11-14. Review status: criteria provided, single submitter. Criteria: ACMG Guidelines, 2015. Collection method: clinical testing. Allele origin: germline.
Comment: This missense variant replaces arginine with histidine at codon 982 of the ATM protein. Computational prediction suggests that this variant may not impact protein structure and function. To our knowledge, functional studies have not been reported for this variant. This variant has been reported in individuals affected with breast cancer, colorectal cancer or an unspecified cancer (PMID: 28135145, 28873162, 33606809). This variant has been identified in 2/251002 chromosomes in the general population by the Genome Aggregation Database (gnomAD). The available evidence is insufficient to determine the role of this variant in disease conclusively. Therefore, this variant is classified as a Variant of Uncertain Significance.

Department of Pathology and Laboratory Medicine, Sinai Health System
Classification: Uncertain significance for ATM-related cancer predisposition. Last evaluated: 2024-08-06. Review status: criteria provided, single submitter. Criteria: ACMG Guidelines, 2015. Collection method: clinical testing. Allele origin: germline. Affected: no.

Baylor Genetics
Classification: Uncertain significance for Familial cancer of breast. Last evaluated: 2024-02-06. Review status: criteria provided, single submitter. Criteria: ACMG Guidelines, 2015. Collection method: clinical testing. Allele origin: unknown.

GeneDx
Classification: Uncertain significance. Last evaluated: 2023-09-13. Review status: criteria provided, single submitter. Criteria: GeneDx Variant Classification Process June 2021. Collection method: clinical testing. Allele origin: germline. Affected: yes.
Comment: Not observed at significant frequency in large population cohorts (gnomAD); In silico analysis supports that this missense variant does not alter protein structure/function; Observed in individuals with personal and/or family history of breast or other cancers (Mandelker et al., 2017; Yurgelun et al., 2017; Tsaousis et al., 2019; Bhai et al., 2021; Sandoval et al., 2021); This variant is associated with the following publications: (PMID: 28135145, 28873162, 28652578, 31159747, 19781682, 34326862, 33606809)

St. Jude Molecular Pathology, St. Jude Children's Research Hospital
Classification: Uncertain significance for Familial cancer of breast. Last evaluated: 2023-06-26. Review status: criteria provided, single submitter. Criteria: St. Jude Assertion Criteria 2020. Collection method: clinical testing. Allele origin: germline.
Comment: The ATM c.2945G>A (p.Arg982His) missense change has a maximum subpopulation frequency of 0.0018% in gnomAD v2.1.1. The in silico tool REVEL is inconclusive about a pathogenic or benign effect of this variant on protein function, and to our knowledge functional studies have not been performed. This variant has been reported in individuals with breast cancer (PMID: 33606809) and colorectal cancer (PMID: 28135145). This variant is absent in a database of women older than 70 years of age who have never had cancer (FLOSSIES database). To our knowledge, this variant has not been reported in individuals with ataxia telangiectasia. In summary, the evidence currently available is insufficient to determine the clinical significance of this variant. It has therefore been classified as of uncertain significance.

Institute for Biomarker Research, Medical Diagnostic Laboratories, L.L.C.
Classification: Uncertain significance for Hereditary cancer-predisposing syndrome. Last evaluated: 2023-03-30. Review status: criteria provided, single submitter. Criteria: ACMG Guidelines, 2015. Collection method: clinical testing. Allele origin: germline.

Mendelics
Classification: Uncertain significance. Last evaluated: 2022-05-04. Review status: criteria provided, single submitter. Criteria: Mendelics Assertion Criteria 2019. Collection method: clinical testing. Allele origin: germline.

Sema4
Classification: Uncertain significance for Hereditary cancer-predisposing syndrome. Last evaluated: 2021-05-29. Review status: criteria provided, single submitter. Criteria: Sema4 Curation Guidelines. Collection method: curation. Allele origin: germline.
Comment: The ATM c.2945G>A (p.R982H) variant has been reported in heterozygosity in at least one individual with colorectal cancer (PMID: 28135145). It was observed in 2/113440 chromosomes of the Non-Finnish European subpopulation in the large and broad cohorts of the Genome Aggregation Database. The variant has been reported in ClinVar (Variation ID 184953). In silico tools suggest the impact of the variant on protein function is inconclusive, though these predictions have not been confirmed by functional studies. The evidence is insufficient to meet ACMG/AMP criteria for classifying the variant as benign or pathogenic. Thus, the clinical significance of this variant is currently uncertain.

GeneKor MSA
Classification: Uncertain significance for Hereditary cancer-predisposing syndrome. Last evaluated: 2018-08-01. Review status: criteria provided, single submitter. Criteria: ACMG Guidelines, 2015. Collection method: clinical testing. Allele origin: germline. Affected: yes.

Illumina Laboratory Services, Illumina
Classification: Uncertain significance for Ataxia-telangiectasia syndrome. Last evaluated: 2018-01-13. Review status: criteria provided, single submitter. Criteria: ICSL Variant Classification Criteria 13 December 2019. Collection method: clinical testing. Allele origin: germline.

Natera, Inc.
Classification: Uncertain significance for Ataxia-telangiectasia. Last evaluated: 2020-02-03. Review status: no assertion criteria provided. Collection method: clinical testing. Allele origin: germline. Not counted in ClinVar's aggregate classification.

Counsyl
Classification: Uncertain significance for Ataxia-telangiectasia syndrome. Last evaluated: 2018-05-02. Review status: no assertion criteria provided. Collection method: clinical testing. Allele origin: unknown. Not counted in ClinVar's aggregate classification.

Literature cited by the submitters: PubMed 28135145 (cited by 5 submitters); PubMed 31159747 (cited by 3 submitters); PubMed 33606809 (cited by 3 submitters); PubMed 34326862 (cited by Women's Health and Genetics/Laboratory Corporation of America, LabCorp); PubMed 35534704 (cited by Women's Health and Genetics/Laboratory Corporation of America, LabCorp); PubMed 28873162 (cited by Color Diagnostics, LLC DBA Color Health and Department of Pathology and Laboratory Medicine, Sinai Health System).

NM_000051.4(ATM):c.2945G>A (p.Arg982His)

Gene: ATM (ATM serine/threonine kinase; plus strand). Cytogenetic location: 11q22.3.
Variant type: single nucleotide variant.
Coding change: c.2945G>A on transcript NM_000051.4 (MANE Select); coding-DNA position 2945, G replaced by A.
Protein change: p.Arg982His; replaces arginine 982 with histidine.
Molecular consequence: missense variant.
Genome position (GRCh38, 1-based): chr11:108,271,274, G>A. VCF-style: chr11-108271274-G-A. GRCh37 (hg19) VCF-style: chr11-108142001-G-A.
Other names: c.2945G>A, p.Arg982His (NM_001351834.2); short protein forms R982H.
Identifiers: ClinVar variation 184953 (VCV000184953.45), dbSNP rs749471737, ClinGen allele CA190572.
Genomic context (GRCh38, chr11:108,271,274, plus strand): 5'-CTTATAAAGTTGAACTTTTTTTTTTTTTTTACCACAGCAATGTGTGTTCTTTGTATCGTC[G>A]TGACCAAGATGTTTGTAAAACTATTTTAAACCATGTCCTTCATGTAGTGAAAAACCTAGG-3'
Protein context (NP_000042.3, residues 972-992): PLSNVCSLYR[Arg982His]DQDVCKTILN